The following is an entry in ClinVar:

NM_003334.4(UBA1):c.1296C>T (p.Leu432=)

Gene: UBA1 (ubiquitin like modifier activating enzyme 1; plus strand). Cytogenetic location: Xp11.3.
Variant type: single nucleotide variant.
Coding change: c.1296C>T on transcript NM_003334.4 (MANE Select); coding-DNA position 1296, C replaced by T.
Protein change: p.Leu432=; no amino-acid change (leucine 432 retained).
Molecular consequence: synonymous variant.
Genome position (GRCh38, 1-based): chrX:47,203,005, C>T. VCF-style: chrX-47203005-C-T. GRCh37 (hg19) VCF-style: chrX-47062404-C-T.
Other names: c.1296C>T, p.Leu432= (NM_153280.3).
Identifiers: ClinVar variation 368335 (VCV000368335.43), dbSNP rs147825775, ClinGen allele CA10395884.

ClinVar aggregate classification (germline): Benign/Likely benign. Review status: criteria provided, multiple submitters, no conflicts (2 of 4 stars). 7 submissions from 7 submitters: Benign (2); Likely benign (4). 1 of the submissions does not count toward it. Last evaluated 2025-12-09.

Conditions:
Infantile-onset X-linked spinal muscular atrophy. Also called: Spinal muscular atrophy, X-linked 2; SPINAL MUSCULAR ATROPHY, X-LINKED LETHAL INFANTILE; Spinal Muscular Atrophy, X-Linked Infantile; AMC, DISTAL, X-LINKED; ARTHROGRYPOSIS, X-LINKED, TYPE I. Identifiers: Orphanet 1145, MedGen C1844934, MONDO:0010532, OMIM 301830.
Inborn genetic diseases. Identifiers: MedGen C0950123, MeSH D030342.
UBA1-related disorder. Also called: UBA1-related condition.

Allele frequency attached by ClinVar (database versions not stated): gnomAD 0.00022 and 0.00023; gnomAD exomes 0.00022 and 0.00050; ExAC 0.00026; TOPMed 0.00026; ESP Exome Variant Server 0.00028.
gnomAD v4.1: 558 of 1,210,211 alleles (0.046%); highest among the groups gnomAD compares: Non-Finnish European, 0.061%; no homozygotes.

Submissions (7):

Labcorp Genetics (formerly Invitae), Labcorp
Classification: Benign for Infantile-onset X-linked spinal muscular atrophy. Last evaluated: 2025-12-09. Review status: criteria provided, single submitter. Criteria: Invitae Variant Classification Sherloc (09022015). Collection method: clinical testing. Allele origin: germline.

Blueprint Genetics
Classification: Likely benign. Last evaluated: 2024-10-28. Review status: criteria provided, single submitter. Criteria: ACMG Guidelines, 2015. Collection method: clinical testing. Allele origin: germline.

CeGaT Center for Human Genetics Tuebingen
Classification: Likely benign. Last evaluated: 2023-05-01. Review status: criteria provided, single submitter. Criteria: CeGaT Center For Human Genetics Tuebingen Variant Classification Criteria Version 2. Collection method: clinical testing. Allele origin: germline. Affected: yes. Observed: 2 variant alleles.
Comment: UBA1: BP4, BP7, BS2

Ambry Genetics
Classification: Likely benign for Inborn genetic diseases. Last evaluated: 2019-07-11. Review status: criteria provided, single submitter. Criteria: Ambry Variant Classification Scheme 2023. Collection method: clinical testing. Allele origin: germline.

Illumina Laboratory Services, Illumina
Classification: Benign for Infantile-onset X-linked spinal muscular atrophy. Last evaluated: 2018-01-13. Review status: criteria provided, single submitter. Criteria: ICSL Variant Classification Criteria 13 December 2019. Collection method: clinical testing. Allele origin: germline.
Comment: This variant was observed in the ICSL laboratory as part of a predisposition screen in an ostensibly healthy population. It had not been previously curated by ICSL or reported in the Human Gene Mutation Database (HGMD: prior to June 1st, 2018), and was therefore a candidate for classification through an automated scoring system. Utilizing variant allele frequency, disease prevalence and penetrance estimates, and inheritance mode, an automated score was calculated to assess if this variant is too frequent to cause the disease. Based on the score and internal cut-off values, a variant classified as benign is not then subjected to further curation. The score for this variant resulted in a classification of benign for this disease.

GeneDx
Classification: Likely benign. Last evaluated: 2017-09-19. Review status: criteria provided, single submitter. Criteria: GeneDx Variant Classification (06012015). Collection method: clinical testing. Allele origin: germline. Affected: yes.
Comment: This variant is considered likely benign or benign based on one or more of the following criteria: it is a conservative change, it occurs at a poorly conserved position in the protein, it is predicted to be benign by multiple in silico algorithms, and/or has population frequency not consistent with disease.

PreventionGenetics, part of Exact Sciences
Classification: Likely benign for UBA1-related condition. Last evaluated: 2022-03-31. Review status: no assertion criteria provided. Collection method: clinical testing. Allele origin: germline. Not counted in ClinVar's aggregate classification.
Comment: This variant is classified as likely benign based on ACMG/AMP sequence variant interpretation guidelines (Richards et al. 2015 PMID: 25741868, with internal and published modifications).